The following is an entry in ClinVar:

NM_000257.4(MYH7):c.3476T>A (p.Val1159Glu)

Gene: MYH7 (myosin heavy chain 7; minus strand). Cytogenetic location: 14q11.2.
Variant type: single nucleotide variant.
Coding change: c.3476T>A on transcript NM_000257.4 (MANE Select); coding-DNA position 3476, T replaced by A.
Protein change: p.Val1159Glu; replaces valine 1159 with glutamic acid.
Molecular consequence: missense variant.
Genome position (GRCh38, 1-based): chr14:23,420,095, A>T on the plus strand (T>A on the coding strand, the complement: MYH7 is on the minus strand). VCF-style: chr14-23420095-A-T. GRCh37 (hg19) VCF-style: chr14-23889304-A-T.
Other names: short protein forms V1159E.
Identifiers: ClinVar variation 1390526 (VCV001390526.9), dbSNP rs1395277862, ClinGen allele CA389043771.

ClinVar aggregate classification (germline): Uncertain significance. Review status: criteria provided, multiple submitters, no conflicts (2 of 4 stars). 2 submissions from 2 submitters: Uncertain significance (2). Last evaluated 2026-03-29.

Conditions:
Cardiovascular phenotype. Identifiers: MedGen CN230736.
Hypertrophic cardiomyopathy. Also called: HYPERTROPHIC MYOCARDIOPATHY. Identifiers: Orphanet 217569, MedGen C0007194, MeSH D002312, MONDO:0005045, HP:0001639.

Submissions (2):

Ambry Genetics
Classification: Uncertain significance for Cardiovascular phenotype. Last evaluated: 2026-03-29. Review status: criteria provided, single submitter. Criteria: Ambry Variant Classification Scheme 2023. Collection method: clinical testing. Allele origin: germline.
Comment: The p.V1159E variant (also known as c.3476T>A), located in coding exon 25 of the MYH7 gene, results from a T to A substitution at nucleotide position 3476. The valine at codon 1159 is replaced by glutamic acid, an amino acid with dissimilar properties. This amino acid position is conserved. In addition, the in silico prediction for this alteration is inconclusive. Based on the available evidence, the clinical significance of this variant remains unclear.

Labcorp Genetics (formerly Invitae), Labcorp
Classification: Uncertain significance for Hypertrophic cardiomyopathy. Last evaluated: 2025-08-16. Review status: criteria provided, single submitter. Criteria: Invitae Variant Classification Sherloc (09022015). Collection method: clinical testing. Allele origin: germline.
Comment: This sequence change replaces valine, which is neutral and non-polar, with glutamic acid, which is acidic and polar, at codon 1159 of the MYH7 protein (p.Val1159Glu). This variant is not present in population databases (gnomAD no frequency). This variant has not been reported in the literature in individuals affected with MYH7-related conditions. ClinVar contains an entry for this variant (Variation ID: 1390526). Invitae Evidence Modeling of protein sequence and biophysical properties (such as structural, functional, and spatial information, amino acid conservation, physicochemical variation, residue mobility, and thermodynamic stability) has been performed for this missense variant. However, the output from this modeling did not meet the statistical confidence thresholds required to predict the impact of this variant on MYH7 protein function. In summary, the available evidence is currently insufficient to determine the role of this variant in disease. Therefore, it has been classified as a Variant of Uncertain Significance.